The following is an entry in ClinVar:

NM_006648.4(WNK2):c.1448C>T (p.Pro483Leu)

Gene: WNK2 (WNK lysine deficient protein kinase 2; plus strand). Cytogenetic location: 9q22.31.
Variant type: single nucleotide variant.
Coding change: c.1448C>T on transcript NM_006648.4 (MANE Select); coding-DNA position 1448, C replaced by T.
Protein change: p.Pro483Leu; replaces proline 483 with leucine.
Molecular consequence: missense variant.
Genome position (GRCh38, 1-based): chr9:93,239,882, C>T. VCF-style: chr9-93239882-C-T. GRCh37 (hg19) VCF-style: chr9-96002164-C-T.
Other names: c.1448C>T, p.Pro483Leu (NM_001282394.3); short protein forms P483L.
Identifiers: ClinVar variation 4866687 (VCV004866687.1).

ClinVar aggregate classification (germline): Uncertain significance (1 of 4 stars; one submission).

Submission:

Ambry Genetics
Classification: Uncertain significance. Last evaluated: 2026-05-19. Review status: criteria provided, single submitter. Criteria: Ambry Variant Classification Scheme 2023. Collection method: clinical testing. Allele origin: germline.
Comment: The p.P483L variant (also known as c.1448C>T), located in coding exon 6 of the WNK2 gene, results from a C to T substitution at nucleotide position 1448. The proline at codon 483 is replaced by leucine, an amino acid with similar properties. This amino acid position is conserved. In addition, this alteration is predicted to be tolerated by in silico analysis. Based on the available evidence, the clinical significance of this variant remains unclear.